The following is an entry in ClinVar:

ClinVar aggregate classification (germline): Conflicting classifications of pathogenicity. Review status: criteria provided, conflicting classifications (1 of 4 stars). 3 submissions from 3 submitters: Uncertain significance (2); Likely benign (1). Last evaluated 2025-03-10.

Conditions:
Inborn genetic diseases. Identifiers: MedGen C0950123, MeSH D030342.

Allele frequency attached by ClinVar (database versions not stated): ESP Exome Variant Server 0.00015; ExAC 0.00005; TOPMed 0.00009; gnomAD 0.00008.
gnomAD v4.1: 90 of 1,613,984 alleles (0.0056%); highest among the groups gnomAD compares: Non-Finnish European, 0.0072%; no homozygotes.

Submissions (3):

Labcorp Genetics (formerly Invitae), Labcorp
Classification: Likely benign. Last evaluated: 2025-03-10. Review status: criteria provided, single submitter. Criteria: Invitae Variant Classification Sherloc (09022015). Collection method: clinical testing. Allele origin: germline.

Ambry Genetics
Classification: Uncertain significance for Inborn genetic diseases. Last evaluated: 2022-09-29. Review status: criteria provided, single submitter. Criteria: Ambry Variant Classification Scheme 2023. Collection method: clinical testing. Allele origin: germline.

GeneDx
Classification: Uncertain significance. Last evaluated: 2022-06-22. Review status: criteria provided, single submitter. Criteria: GeneDx Variant Classification Process June 2021. Collection method: clinical testing. Allele origin: germline. Affected: yes.
Comment: In silico analysis supports that this missense variant does not alter protein structure/function; Has not been previously published as pathogenic or benign to our knowledge

NM_004793.4(LONP1):c.2486C>T (p.Ala829Val)

Gene: LONP1 (lon peptidase 1, mitochondrial; minus strand). Cytogenetic location: 19p13.3.
Variant type: single nucleotide variant.
Coding change: c.2486C>T on transcript NM_004793.4 (MANE Select); coding-DNA position 2486, C replaced by T.
Protein change: p.Ala829Val; replaces alanine 829 with valine.
Molecular consequence: missense variant. On other transcripts: non-coding transcript variant (1).
Genome position (GRCh38, 1-based): chr19:5,693,604, G>A on the plus strand (C>T on the coding strand, the complement: LONP1 is on the minus strand). VCF-style: chr19-5693604-G-A. GRCh37 (hg19) VCF-style: chr19-5693615-G-A.
Other names: c.2486C>T (NM_004793.2); c.2294C>T, p.Ala765Val (NM_001276479.2); c.1898C>T, p.Ala633Val (NM_001276480.1); short protein forms A633V, A765V, A829V.
Identifiers: ClinVar variation 1806777 (VCV001806777.7), dbSNP rs150100006, ClinGen allele CA9114099.